The following is an entry in ClinVar:

ClinVar aggregate classification (germline): Benign. Review status: criteria provided, multiple submitters, no conflicts (2 of 4 stars). 4 submissions from 4 submitters: Benign (4). Last evaluated 2026-02-04.

Conditions:
Combined oxidative phosphorylation defect type 11. Also called: Combined oxidative phosphorylation deficiency 11; ENCEPHALONEUROMYOPATHY, INFANTILE, DUE TO MITOCHONDRIAL TRANSLATION DEFECT. Identifiers: Orphanet 324535, MedGen C5190991, MONDO:0013969, OMIM 614922.

Allele frequency attached by ClinVar (database versions not stated): gnomAD exomes 0.41243 and 0.44294; ESP Exome Variant Server 0.41627; gnomAD 0.42255 and 0.42972; TOPMed 0.43191; ExAC 0.44336; 1000 Genomes Project 30x 0.50109; 1000 Genomes Project 0.50679.
gnomAD v4.1: 650,870 of 1,568,352 alleles (42%); highest among the groups gnomAD compares: East Asian, 69%; 139,235 homozygotes.

Submissions (4):

Labcorp Genetics (formerly Invitae), Labcorp
Classification: Benign. Last evaluated: 2026-02-04. Review status: criteria provided, single submitter. Criteria: Invitae Variant Classification Sherloc (09022015). Collection method: clinical testing. Allele origin: germline.

Blueprint Genetics
Classification: Benign. Last evaluated: 2024-11-27. Review status: criteria provided, single submitter. Criteria: ACMG Guidelines, 2015. Collection method: clinical testing. Allele origin: germline.

Genome-Nilou Lab
Classification: Benign for Combined oxidative phosphorylation defect type 11. Last evaluated: 2021-11-07. Review status: criteria provided, single submitter. Criteria: ACMG Guidelines, 2015. Collection method: clinical testing. Allele origin: germline. Affected: no.

GeneDx
Classification: Benign. Last evaluated: 2013-09-05. Review status: criteria provided, single submitter. Criteria: GeneDx Variant Classification (06012015). Collection method: clinical testing. Allele origin: germline. Affected: yes.
Comment: This variant is considered likely benign or benign based on one or more of the following criteria: it is a conservative change, it occurs at a poorly conserved position in the protein, it is predicted to be benign by multiple in silico algorithms, and/or has population frequency not consistent with disease.

NM_017909.4(RMND1):c.689+17A>G

Gene: RMND1 (required for meiotic nuclear division 1 homolog; minus strand). Cytogenetic location: 6q25.1.
Variant type: single nucleotide variant.
Coding change: c.689+17A>G on transcript NM_017909.4 (MANE Select); 17 bases into the intron after coding-DNA position 689, A replaced by G.
Molecular consequence: intron variant.
Genome position (GRCh38, 1-based): chr6:151,433,138, T>C on the plus strand (A>G on the coding strand, the complement: RMND1 is on the minus strand). VCF-style: chr6-151433138-T-C. GRCh37 (hg19) VCF-style: chr6-151754273-T-C.
Other names: c.179+17A>G (NM_001271937.2).
Identifiers: ClinVar variation 138912 (VCV000138912.14), dbSNP rs6904364, ClinGen allele CA293080.